The following is an entry in ClinVar:

NM_015139.3(SLC35D1):c.7G>T (p.Glu3Ter)

Gene: SLC35D1 (solute carrier family 35 member D1; minus strand). Cytogenetic location: 1p31.3.
Variant type: single nucleotide variant.
Coding change: c.7G>T on transcript NM_015139.3 (MANE Select); coding-DNA position 7, G replaced by T.
Protein change: p.Glu3Ter; replaces glutamic acid 3 with a stop codon.
Molecular consequence: nonsense.
Genome position (GRCh38, 1-based): chr1:67,054,007, C>A on the plus strand (G>T on the coding strand, the complement: SLC35D1 is on the minus strand). VCF-style: chr1-67054007-C-A. GRCh37 (hg19) VCF-style: chr1-67519690-C-A.
Other names: short protein forms E3*.
Identifiers: ClinVar variation 5007022 (VCV005007022.2).

ClinVar aggregate classification (germline): Likely pathogenic (1 of 4 stars; one submission).

Conditions:
Schneckenbecken dysplasia. Identifiers: Orphanet 3144, MedGen C0432194, MONDO:0010013, OMIM 269250.

Submission:

Juno Genomics, Hangzhou Juno Genomics, Inc
Classification: Likely pathogenic for Schneckenbecken dysplasia. Review status: criteria provided, single submitter. Criteria: ACMG Guidelines, 2015. Collection method: clinical testing. Allele origin: germline.
Comment: Null variant in a gene where loss of function (LOF) is a known mechanism of disease.;Absent from controls (or at extremely low frequency if recessive) in Genome Aggregation Database.